The following is an entry in ClinVar:

ClinVar aggregate classification (germline): Uncertain significance (1 of 4 stars; one submission).

Conditions:
Epidermolysis bullosa simplex 3, localized or generalized intermediate, with BP230 deficiency (EBS3). Also called: Epidermolysis bullosa simplex due to BP230 deficiency; Epidermolysis bullosa simplex, autosomal recessive 2. Identifiers: Orphanet 412181, MedGen C3809470, MONDO:0014180, OMIM 615425.
Hereditary sensory and autonomic neuropathy type 6. Also called: Neuropathy, hereditary sensory and autonomic, type VI; HSAN VI. Identifiers: Orphanet 314381, MedGen C3539003, MONDO:0013839, OMIM 614653.

Allele frequency attached by ClinVar (database versions not stated): gnomAD exomes below 0.00001; TOPMed below 0.00001.
gnomAD v4.1: 4 of 1,613,030 alleles (0.00025%); highest among the groups gnomAD compares: Non-Finnish European, 0.00034%; no homozygotes.

Submission:

Labcorp Genetics (formerly Invitae), Labcorp
Classification: Uncertain significance for Epidermolysis bullosa simplex 3, localized or generalized intermediate, with BP230 deficiency; Hereditary sensory and autonomic neuropathy type 6. Last evaluated: 2023-08-11. Review status: criteria provided, single submitter. Criteria: Invitae Variant Classification Sherloc (09022015). Collection method: clinical testing. Allele origin: germline.
Comment: This variant is not present in population databases (gnomAD no frequency). This sequence change replaces glutamic acid, which is acidic and polar, with glutamine, which is neutral and polar, at codon 4084 of the DST protein (p.Glu4084Gln). The DST gene has multiple clinically relevant transcripts. This variant occurs in alternate transcript NM_015548.4, and corresponds to NM_001723.5:c.*118034G>C in the primary transcript. In summary, the available evidence is currently insufficient to determine the role of this variant in disease. Therefore, it has been classified as a Variant of Uncertain Significance. Experimental studies and prediction algorithms are not available or were not evaluated, and the functional significance of this variant is currently unknown. This variant has not been reported in the literature in individuals affected with DST-related conditions.

NM_001374736.1(DST):c.20119G>C (p.Glu6707Gln)

Gene: DST (dystonin; minus strand). Cytogenetic location: 6p12.1.
Variant type: single nucleotide variant.
Coding change: c.20119G>C on transcript NM_001374736.1 (MANE Select); coding-DNA position 20119, G replaced by C.
Protein change: p.Glu6707Gln; replaces glutamic acid 6707 with glutamine.
Molecular consequence: missense variant.
Genome position (GRCh38, 1-based): chr6:56,497,483, C>G on the plus strand (G>C on the coding strand, the complement: DST is on the minus strand). VCF-style: chr6-56497483-C-G. GRCh37 (hg19) VCF-style: chr6-56362281-C-G.
Other names: c.13762G>C, p.Glu4588Gln (NM_001144769.5); c.13348G>C, p.Glu4450Gln (NM_001144770.2); c.20119G>C, p.Glu6707Gln (NM_001374722.1); c.19159G>C, p.Glu6387Gln (NM_001374729.1); c.12901G>C, p.Glu4301Gln (NM_001374730.1); c.20146G>C, p.Glu6716Gln (NM_001374734.1); c.13228G>C, p.Glu4410Gln (NM_001386100.1, NM_183380.4); c.12250G>C, p.Glu4084Gln (NM_015548.5); short protein forms E4410Q, E4450Q, E4084Q, E4588Q, E4301Q, E6387Q, E6707Q, E6716Q.
Identifiers: ClinVar variation 646419 (VCV000646419.9), dbSNP rs944605347, ClinGen allele CA139191522.
Genomic context (GRCh38, chr6:56,497,483, plus strand): 5'-CCAGCGGTTTAGATGCCAACAGATGACGCTCCGTGTCAGTCAGCCACTGCTGCAAATCCT[C>G]AATTTCGCCATGGAACCCTTTGGCCTGAAGTAATAGGCAGTTTTAAGTTGGGGCCATAAA-3'
Protein context (NP_001361665.1, residues 6697-6717): RQAKGFHGEI[Glu6707Gln]DLQQWLTDTE